The following is an entry in ClinVar:

ClinVar aggregate classification (germline): Uncertain significance (1 of 4 stars; one submission).

Conditions:
Primary ciliary dyskinesia. Also called: Ciliary dyskinesia. Identifiers: Orphanet 244, MedGen C0008780, MONDO:0016575, HP:0012265.

Allele frequency attached by ClinVar (database versions not stated): ExAC 0.00001; ESP Exome Variant Server 0.00008.

Submission:

Ambry Genetics
Classification: Uncertain significance for Primary ciliary dyskinesia. Last evaluated: 2019-06-26. Review status: criteria provided, single submitter. Criteria: Ambry Variant Classification Scheme 2023. Collection method: clinical testing. Allele origin: germline.
Comment: The p.L2237V variant (also known as c.6709C>G), located in coding exon 41 of the DNAH11 gene, results from a C to G substitution at nucleotide position 6709. The leucine at codon 2237 is replaced by valine, an amino acid with highly similar properties. This amino acid position is highly conserved in available vertebrate species. In addition, the in silico prediction for this alteration is inconclusive. Since supporting evidence is limited at this time, the clinical significance of this alteration remains unclear.

NM_001277115.2(DNAH11):c.6709C>G (p.Leu2237Val)

Gene: DNAH11 (dynein axonemal heavy chain 11; plus strand). Cytogenetic location: 7p15.3.
Variant type: single nucleotide variant.
Coding change: c.6709C>G on transcript NM_001277115.2 (MANE Select); coding-DNA position 6709, C replaced by G.
Protein change: p.Leu2237Val; replaces leucine 2237 with valine.
Molecular consequence: missense variant.
Genome position (GRCh38, 1-based): chr7:21,710,578, C>G. VCF-style: chr7-21710578-C-G. GRCh37 (hg19) VCF-style: chr7-21750196-C-G.
Other names: c.6730C>G, p.Leu2244Val (NM_003777.3); short protein forms L2237V, L2244V.
Identifiers: ClinVar variation 1755027 (VCV001755027.2), dbSNP rs370225380, ClinGen allele CA4180959.